The following is an entry in ClinVar:

ClinVar aggregate classification (germline): Likely benign (1 of 4 stars; one submission).

Conditions:
Hypertrophic cardiomyopathy. Also called: HYPERTROPHIC MYOCARDIOPATHY. Identifiers: Orphanet 217569, MedGen C0007194, MeSH D002312, MONDO:0005045, HP:0001639.

Submission:

All of Us Research Program, National Institutes of Health
Classification: Likely benign for Hypertrophic cardiomyopathy. Last evaluated: 2023-12-13. Review status: criteria provided, single submitter. Criteria: ACMG Guidelines, 2015. Collection method: clinical testing. Allele origin: germline. Inheritance: Autosomal dominant inheritance. Observed: 1 variant allele, 1 heterozygote.
Comment: This study involves interpretation of variants in research participants for the purpose of population health screening. Participant phenotype was not available at the time of variant classification. Additional details can be found in publication PMID: 35346344, PMCID: PMC8962531

NM_000256.3(MYBPC3):c.3681C>T (p.Phe1227=)

Gene: MYBPC3 (myosin binding protein C3; minus strand). Cytogenetic location: 11p11.2.
Variant type: single nucleotide variant.
Coding change: c.3681C>T on transcript NM_000256.3 (MANE Select); coding-DNA position 3681, C replaced by T.
Protein change: p.Phe1227=; no amino-acid change (phenylalanine 1227 retained).
Molecular consequence: synonymous variant.
Genome position (GRCh38, 1-based): chr11:47,332,205, G>A on the plus strand (C>T on the coding strand, the complement: MYBPC3 is on the minus strand). VCF-style: chr11-47332205-G-A. GRCh37 (hg19) VCF-style: chr11-47353756-G-A.
Identifiers: ClinVar variation 3074823 (VCV003074823.1), dbSNP rs1595840817, ClinGen allele CA474428881.